The following is an entry in ClinVar:

ClinVar aggregate classification (germline): Likely pathogenic (1 of 4 stars; one submission).

Conditions:
CUBN-related disorder. Also called: CUBN-related condition.

gnomAD v4.1: 3 of 1,612,464 alleles (0.00019%); highest among the groups gnomAD compares: East Asian, 0.0067%; no homozygotes.

Submission:

3billion
Classification: Likely pathogenic for CUBN-related disorder. Last evaluated: 2025-06-20. Review status: criteria provided, single submitter. Criteria: ACMG Guidelines, 2015. Collection method: clinical testing. Allele origin: germline. Affected: yes.
Comment: The variant is observed at an extremely low frequency in the gnomAD v4.1.0 dataset (total allele frequency: <0.001%). Predicted Consequence/Location: Canonical splice site: predicted to alter splicing and result in a loss or disruption of normal protein function. Multiple pathogenic loss-of-function variants are reported downstream of the variant. In silico tools predict the variant to alter splicing and produce an abnormal transcript [SpliceAI: 0.99 (spliceogenicity >=0.2, non-spliceogenicity <0.1)]. Therefore, this variant is classified as Likely pathogenic according to the recommendation of ACMG/AMP guideline.

NM_001081.4(CUBN):c.10529-2A>G

Gene: CUBN (cubilin; minus strand). Cytogenetic location: 10p13.
Variant type: single nucleotide variant.
Coding change: c.10529-2A>G on transcript NM_001081.4 (MANE Select); the canonical splice acceptor site of the intron before coding-DNA position 10529, A replaced by G.
Molecular consequence: splice acceptor variant.
Genome position (GRCh38, 1-based): chr10:16,829,042, T>C on the plus strand (A>G on the coding strand, the complement: CUBN is on the minus strand). VCF-style: chr10-16829042-T-C. GRCh37 (hg19) VCF-style: chr10-16871041-T-C.
Identifiers: ClinVar variation 4855045 (VCV004855045.1).
Genomic context (GRCh38, chr10:16,829,042, plus strand): 5'-GCCTGGATAGCCGGGGCTGGTGAATGAGCCTCTGTCTCCATAAAGAGTTCCACCACATCC[T>C]GCAAGGAAAACAGGACAGGAAGTTTGATTCAACAGCATATAAGCCGTCCAGTCTGGCTTG-3'